The following is an entry in ClinVar:

NM_007294.4(BRCA1):c.2290G>A (p.Val764Ile)

Gene: BRCA1 (BRCA1 DNA repair associated; minus strand). Cytogenetic location: 17q21.31.
Variant type: single nucleotide variant.
Coding change: c.2290G>A on transcript NM_007294.4 (MANE Select); coding-DNA position 2290, G replaced by A.
Protein change: p.Val764Ile; replaces valine 764 with isoleucine.
Molecular consequence: missense variant. On other transcripts: intron variant (137).
Genome position (GRCh38, 1-based): chr17:43,093,241, C>T on the plus strand (G>A on the coding strand, the complement: BRCA1 is on the minus strand). VCF-style: chr17-43093241-C-T. GRCh37 (hg19) VCF-style: chr17-41245258-C-T.
Other names: c.2146G>A, p.Val716Ile (NM_001407838.1, NM_001407839.1, NM_001407841.1 and 20 more transcripts); c.787+1503G>A (NM_001407982.1, NM_001407970.1, NM_001407980.1 and 17 more transcripts); c.2086G>A, p.Val696Ile (NM_001407875.1, NM_001407874.1); c.2080G>A, p.Val694Ile (NM_001407881.1, NM_001407879.1, NM_001407882.1 and 13 more transcripts); c.2077G>A, p.Val693Ile (NM_001407571.1, NM_001407894.1, NM_001407895.1 and 9 more transcripts); c.2290G>A, p.Val764Ile (NM_001407581.1, NM_001407582.1, NM_001407583.1 and 30 more transcripts); c.2287G>A, p.Val763Ile (NM_001407587.1, NM_001407590.1, NM_001407591.1 and 22 more transcripts); c.2281G>A, p.Val761Ile (NM_001407646.1, NM_001407647.1); and 41 more; short protein forms V717I, V764I, V675I, V723I, V738I, V761I, V653I, V697I.
Identifiers: ClinVar variation 821044 (VCV000821044.14), dbSNP rs768904580, ClinGen allele CA058683.

ClinVar aggregate classification (germline): Conflicting classifications of pathogenicity. Review status: criteria provided, conflicting classifications (1 of 4 stars). 4 submissions from 4 submitters: Uncertain significance (3); Likely benign (1). Last evaluated 2025-04-29.

Conditions:
Hereditary breast ovarian cancer syndrome. Also called: Hereditary breast and/or ovarian cancer syndrome; BRCA1- and BRCA2-Associated Hereditary Breast and Ovarian Cancer; Hereditary breast and ovarian cancer syndrome; Hereditary breast and ovarian cancer; Hereditary breast and ovarian cancer syndrome (HBOC); Breast and ovarian cancer. Identifiers: Orphanet 145, MedGen C0677776, MeSH D061325, MONDO:0003582. Disease mechanism: loss of function.
Hereditary cancer-predisposing syndrome. Also called: Neoplastic Syndromes, Hereditary; Tumor predisposition; Hereditary Cancer Syndrome; Hereditary neoplastic syndrome. Identifiers: Orphanet 140162, MedGen C0027672, MeSH D009386, MONDO:0015356.

Allele frequency attached by ClinVar (database versions not stated): ExAC 0.00001.

Submissions (4):

Ambry Genetics
Classification: Uncertain significance for Hereditary cancer-predisposing syndrome. Last evaluated: 2025-04-29. Review status: criteria provided, single submitter. Criteria: Ambry Variant Classification Scheme 2023. Collection method: clinical testing. Allele origin: germline.
Comment: The p.V764I variant (also known as c.2290G>A), located in coding exon 9 of the BRCA1 gene, results from a G to A substitution at nucleotide position 2290. The valine at codon 764 is replaced by isoleucine, an amino acid with highly similar properties. This amino acid position is not well conserved in available vertebrate species. In addition, this alteration is predicted to be tolerated by in silico analysis. Since supporting evidence is limited at this time, the clinical significance of this alteration remains unclear.

Labcorp Genetics (formerly Invitae), Labcorp
Classification: Uncertain significance for Hereditary breast ovarian cancer syndrome. Last evaluated: 2024-12-26. Review status: criteria provided, single submitter. Criteria: Invitae Variant Classification Sherloc (09022015). Collection method: clinical testing. Allele origin: germline.
Comment: This sequence change replaces valine, which is neutral and non-polar, with isoleucine, which is neutral and non-polar, at codon 764 of the BRCA1 protein (p.Val764Ile). This variant is not present in population databases (gnomAD no frequency). This variant has not been reported in the literature in individuals affected with BRCA1-related conditions. ClinVar contains an entry for this variant (Variation ID: 821044). Invitae Evidence Modeling of protein sequence and biophysical properties (such as structural, functional, and spatial information, amino acid conservation, physicochemical variation, residue mobility, and thermodynamic stability) indicates that this missense variant is not expected to disrupt BRCA1 protein function with a negative predictive value of 80%. In summary, the available evidence is currently insufficient to determine the role of this variant in disease. Therefore, it has been classified as a Variant of Uncertain Significance.

University of Washington Department of Laboratory Medicine, University of Washington
Classification: Likely benign for Hereditary cancer-predisposing syndrome. Last evaluated: 2023-03-23. Review status: criteria provided, single submitter. Criteria: Dines et al. (Genet Med. 2020). Collection method: curation. Allele origin: germline.
Comment: Missense variant in a coldspot region where missense variants are very unlikely to be pathogenic (PMID:31911673).

BRCA1 coldspot (exon 11 using historical exon numbering). Reclassification based on statistical prior probability

Women's Health and Genetics/Laboratory Corporation of America, LabCorp
Classification: Uncertain significance. Last evaluated: 2023-02-15. Review status: criteria provided, single submitter. Criteria: LabCorp Variant Classification Summary - May 2015. Collection method: clinical testing. Allele origin: germline.
Comment: Variant summary: BRCA1 c.2290G>A (p.Val764Ile) results in a conservative amino acid change in the encoded protein sequence. Five of five in-silico tools predict a benign effect of the variant on protein function. The variant was absent in 251180 control chromosomes (gnomAD). The available data on variant occurrences in the general population are insufficient to allow any conclusion about variant significance. To our knowledge, no occurrence of c.2290G>A in individuals affected with Hereditary Breast and Ovarian Cancer Syndrome and no experimental evidence demonstrating its impact on protein function have been reported. Two clinical diagnostic laboratories have submitted clinical-significance assessments for this variant to ClinVar after 2014 , and both classified the variant as uncertain significance. Based on the evidence outlined above, the variant was classified as uncertain significance.